The following is an entry in ClinVar:

ClinVar aggregate classification (germline): Uncertain significance (1 of 4 stars; one submission).

Conditions:
Koolen-de Vries syndrome (KDVS). Identifiers: Orphanet 96169, MedGen C1864871, MONDO:0012496, OMIM 610443.

Allele frequency attached by ClinVar (database versions not stated): TOPMed 0.00001.
gnomAD v4.1: 1 of 1,614,168 alleles (0.000062%); highest among the groups gnomAD compares: Non-Finnish European, 0.000085%; no homozygotes.

Submission:

Labcorp Genetics (formerly Invitae), Labcorp
Classification: Uncertain significance for Koolen-de Vries syndrome. Last evaluated: 2024-01-24. Review status: criteria provided, single submitter. Criteria: Invitae Variant Classification Sherloc (09022015). Collection method: clinical testing. Allele origin: germline.
Comment: This sequence change replaces lysine, which is basic and polar, with arginine, which is basic and polar, at codon 698 of the KANSL1 protein (p.Lys698Arg). This variant is not present in population databases (gnomAD no frequency). This variant has not been reported in the literature in individuals affected with KANSL1-related conditions. ClinVar contains an entry for this variant (Variation ID: 1716265). Advanced modeling of protein sequence and biophysical properties (such as structural, functional, and spatial information, amino acid conservation, physicochemical variation, residue mobility, and thermodynamic stability) performed at Invitae indicates that this missense variant is not expected to disrupt KANSL1 protein function with a negative predictive value of 80%. In summary, the available evidence is currently insufficient to determine the role of this variant in disease. Therefore, it has been classified as a Variant of Uncertain Significance.

NM_015443.4(KANSL1):c.2093A>G (p.Lys698Arg)

Gene: KANSL1 (KAT8 regulatory NSL complex subunit 1). Cytogenetic location: 17q21.31.
Variant type: single nucleotide variant.
Coding change: c.2093A>G on transcript NM_015443.4 (MANE Select); coding-DNA position 2093, A replaced by G.
Protein change: p.Lys698Arg; replaces lysine 698 with arginine.
Molecular consequence: missense variant.
Genome position (GRCh38, 1-based): chr17:46,039,812, T>C on the plus strand (A>G on the coding strand, the complement: KANSL1 is on the minus strand). VCF-style: chr17-46039812-T-C. GRCh37 (hg19) VCF-style: chr17-44117178-T-C.
Other names: c.2093A>G, p.Lys698Arg (NM_001193465.2, NM_001193466.2, NM_001379198.1 and 14 more transcripts); c.1991A>G, p.Lys664Arg (NM_001405859.1, NM_001405860.1, NM_001405861.1 and 1 more transcripts); c.827A>G, p.Lys276Arg (NM_001405882.1, NM_001405883.1, NM_001405884.1 and 1 more transcripts); short protein forms K276R, K664R, K698R.
Identifiers: ClinVar variation 1716265 (VCV001716265.5), dbSNP rs2077260533, ClinGen allele CA399982455.